The following is an entry in ClinVar:

NM_002834.5(PTPN11):c.802G>T (p.Gly268Cys)

Gene: PTPN11 (protein tyrosine phosphatase non-receptor type 11; plus strand). Cytogenetic location: 12q24.13.
Variant type: single nucleotide variant.
Coding change: c.802G>T on transcript NM_002834.5 (MANE Select); coding-DNA position 802, G replaced by T.
Protein change: p.Gly268Cys; replaces glycine 268 with cysteine.
Molecular consequence: missense variant.
Genome position (GRCh38, 1-based): chr12:112,472,989, G>T. VCF-style: chr12-112472989-G-T. GRCh37 (hg19) VCF-style: chr12-112910793-G-T.
Other names: p.G268C:GGT>TGT; c.802G>T, p.Gly268Cys (NM_001330437.2, NM_080601.3); c.799G>T, p.Gly267Cys (NM_001374625.1); short protein forms G268C, G267C.
Identifiers: ClinVar variation 40523 (VCV000040523.27), dbSNP rs397507527, ClinGen allele CA261597.
Genomic context (GRCh38, chr12:112,472,989, plus strand): 5'-TTTCTTTCTTTCCAGACACTACAACAACAGGAGTGCAAACTTCTCTACAGCCGAAAAGAG[G>T]GTCAAAGGCAAGAAAACAAAAACAAAAATAGATATAAAAACATCCTGCCCTGTAAGTATC-3'
Protein context (NP_002825.3, residues 258-278): ECKLLYSRKE[Gly268Cys]QRQENKNKNR

ClinVar aggregate classification (germline): Pathogenic/Likely pathogenic. Review status: criteria provided, multiple submitters, no conflicts (2 of 4 stars). 15 submissions from 13 submitters: Pathogenic (14); Likely pathogenic (1). Last evaluated 2026-06-05.

Conditions:
Monogenic short statue.
Autosomal dominant PTPN11-related disorders.
PTPN11-related disorder. Also called: PTPN11-Related Disorders.
Cardiovascular phenotype. Identifiers: MedGen CN230736.
RASopathy. Also called: rasopathies; Noonan spectrum disorder. Identifiers: Orphanet 536391, MedGen C5555857, MONDO:0021060.
Noonan syndrome (NS). Also called: Noonan's syndrome. Identifiers: Orphanet 648, MedGen C0028326, MeSH D009634, MONDO:0018997. Disease mechanism: gain of function.
LEOPARD syndrome 1 (LPRD1). Also called: PTPN11-Related LEOPARD Syndrome; LENTIGINOSIS, CARDIOMYOPATHIC; MULTIPLE LENTIGINES SYNDROME. Identifiers: Orphanet 500, MedGen C4551484, MONDO:0100082, OMIM 151100.
Metachondromatosis (METCDS). Identifiers: Orphanet 2499, MedGen C0410530, MONDO:0007979, OMIM 156250.
Noonan syndrome with multiple lentigines. Identifiers: Orphanet 500, MedGen C0175704, MONDO:0007893.
Noonan syndrome 1 (NS1). Also called: PTPN11-Related Noonan Syndrome; FEMALE PSEUDO-TURNER SYNDROME; TURNER PHENOTYPE WITH NORMAL KARYOTYPE. Identifiers: Orphanet 648, MedGen C4551602, MONDO:0008104, OMIM 163950. Disease mechanism: gain of function.

Allele frequency attached by ClinVar (database versions not stated): gnomAD exomes below 0.00001; ExAC 0.00001.
gnomAD v4.1: 2 of 1,613,042 alleles (0.00012%); highest among the groups gnomAD compares: Non-Finnish European, 0.000085%; no homozygotes.

Submissions 1 to 11 of 15:

Ambry Genetics
Classification: Pathogenic for Cardiovascular phenotype. Last evaluated: 2026-06-05. Review status: criteria provided, single submitter. Criteria: Ambry Variant Classification Scheme 2023. Collection method: clinical testing. Allele origin: germline.
Comment: The c.802G>T (p.G268C) alteration is located in exon 7 (coding exon 7) of the PTPN11 gene. This alteration results from a G to T substitution at nucleotide position 802, causing the glycine (G) at amino acid position 268 to be replaced by a cysteine (C). for autosomal dominant PTPN11-related RASopathy; however, it is unlikely to be causative of autosomal dominant metachondromatosis. This allele was reported in one heterozygous individual in population-based cohorts in the Genome Aggregation Database (gnomAD). This variant was reported in multiple individuals with features consistent with PTPN11-related RASopathy and was determined to be the result of a de novo mutation in at least one individual (Tartaglia, 2011; Marinakis, 2021; Matthews, 2022; Ezquieta, 2012; Sevim Bayrak, 2020). Another alteration at the same codon, c.802G>A (p.G268S), has also been described in multiple individuals with features consistent with PTPN11-related RASopathy (Tartaglia, 2006; Papadopoulou, 2012; Joyce, 2016). This amino acid position is highly conserved in available vertebrate species. This alteration is predicted to be deleterious by in silico analysis. Based on the available evidence, this alteration is classified as pathogenic.

Variantyx, Inc.
Classification: Pathogenic for Autosomal dominant PTPN11-related disorders. Last evaluated: 2025-11-27. Review status: criteria provided, single submitter. Criteria: Variantyx Assertion Criteria 2022. Collection method: clinical testing. Allele origin: germline. Inheritance: Autosomal dominant inheritance. Affected: yes.
Comment: This is a nonsynonymous variant in the PTPN11 gene (OMIM: 176876). Pathogenic variants in this gene have been associated with autosomal dominant PTPN11-related disorders. This variant has been reported in several unrelated affected individuals (PMID: 16358218, 26785492, 22465605, 32368696) (PS4) and likely occurred de novo in individuals reported in the published literature; however, the possibility of parental germline mosaicism cannot be excluded (PMID: 31941532, 28991257) (PS2_Moderate). Aln aternate amino acid change at this position (p.Gly268Ser) has been previously reported in similarly affected individuals, which suggests that this residue is biologically important (PMID: 16358218, 26242988, 21590266) (PM5) and multiple computational algorithms predict a deleterious effect for this variant (REVEL score: 0.962) (PP3). This variant has a 0.0001% maximum allele frequency in non-founder control populations (PM2). Based on the current evidence, this variant is classified as pathogenic for autosomal dominant PTPN11-related disorders.T

NHS Central & South Genomic Laboratory Hub
Classification: Pathogenic for Monogenic short statue. Last evaluated: 2025-10-21. Review status: criteria provided, single submitter. Criteria: ACMG Guidelines, 2015. Collection method: clinical testing. Allele origin: germline. Affected: yes.

GeneDx
Classification: Pathogenic. Last evaluated: 2025-05-17. Review status: criteria provided, single submitter. Criteria: GeneDx Variant Classification Process June 2021. Collection method: clinical testing. Allele origin: germline. Affected: yes.
Comment: In silico analysis supports that this missense variant has a deleterious effect on protein structure/function; Missense variants in this gene are a common cause of disease and they are underrepresented in the general population; This variant is associated with the following publications: (PMID: 24803665, 26785492, 21590266, 28991257, 29493581, 16358218, 22465605, 34008892, 37774117, 32368696, 31941532)

Revvity Omics, Revvity
Classification: Pathogenic. Last evaluated: 2025-03-04. Review status: criteria provided, single submitter. Criteria: ACMG Guidelines, 2015. Collection method: clinical testing. Allele origin: germline.

PreventionGenetics, part of Exact Sciences
Classification: Pathogenic for PTPN11-related condition. Last evaluated: 2024-11-29. Review status: criteria provided, single submitter. Criteria: ACMG Guidelines, 2015. Collection method: clinical testing. Allele origin: germline.
Comment: The PTPN11 c.802G>T variant is predicted to result in the amino acid substitution p.Gly268Cys. This variant has been reported in at least three individuals with Noonan syndrome (Tartaglia et al. 2006. PubMed ID: 16358218; Ezquieta et al. 2012. PubMed ID: 22465605; Patient 1-03874 in Table S1/S9 in Jin et al. 2017. PubMed ID: 28991257). In at least two of these individuals the variant was reported to occur de novo (Ezquieta et al. 2012. PubMed ID: 22465605; Patient 1-03874 in Table S1/S9 in Jin et al. 2017. PubMed ID: 28991257). Additionally, a different amino acid substitution (p.Gly268Ser) affecting the same amino acid has been reported as pathogenic (Tartaglia et al. 2006. PubMed ID: 16358218; Papadopoulou et al. 2012. PubMed ID: 21590266; Athota et al. 2020. PubMed ID: 32164556). This variant is reported in 0.0055% of alleles in individuals of East Asian descent in gnomAD. This variant is interpreted as pathogenic.

Labcorp Genetics (formerly Invitae), Labcorp
Classification: Pathogenic for RASopathy. Last evaluated: 2024-08-13. Review status: criteria provided, single submitter. Criteria: Invitae Variant Classification Sherloc (09022015). Collection method: clinical testing. Allele origin: germline.
Comment: This sequence change replaces glycine, which is neutral and non-polar, with cysteine, which is neutral and slightly polar, at codon 268 of the PTPN11 protein (p.Gly268Cys). This variant is present in population databases (rs397507527, gnomAD 0.006%). This missense change has been observed in individual(s) with Noonan syndrome (PMID: 16358218, 22465605, 26785492). In at least one individual the variant was observed to be de novo. ClinVar contains an entry for this variant (Variation ID: 40523). Invitae Evidence Modeling incorporating data from in vitro experimental studies (Invitae) indicates that this missense variant is expected to disrupt PTPN11 function with a positive predictive value of 95%. This variant disrupts the p.Gly268 amino acid residue in PTPN11. Other variant(s) that disrupt this residue have been determined to be pathogenic (PMID: 16358218, 21590266). This suggests that this residue is clinically significant, and that variants that disrupt this residue are likely to be disease-causing. For these reasons, this variant has been classified as Pathogenic.

Women's Health and Genetics/Laboratory Corporation of America, LabCorp
Classification: Pathogenic for Noonan syndrome with multiple lentigines. Last evaluated: 2024-06-14. Review status: criteria provided, single submitter. Criteria: LabCorp Variant Classification Summary - May 2015. Collection method: clinical testing. Allele origin: germline.
Comment: Variant summary: PTPN11 c.802G>T (p.Gly268Cys) results in a non-conservative amino acid change located in the Tyrosine-specific protein phosphatase, PTPase domain (IPR000242) of the encoded protein sequence. Five of five in-silico tools predict a damaging effect of the variant on protein function. The variant allele was found at a frequency of 4e-06 in 247122 control chromosomes. c.802G>T has been reported in the literature in three individuals affected with Noonan Syndrome/Leopard Syndrome and all three are de novo for this variant (Tartaglia_2006, Ezquieta_2012, Jin_2017). These data indicate that the variant may be associated with disease. A different variant affecting the same codon has been classified as pathogenic by our lab (c.802G>A, p.Gly268Ser), supporting the critical relevance of codon 268 to PTPN11 protein function. To our knowledge, no experimental evidence demonstrating an impact on protein function has been reported. The following publications have been ascertained in the context of this evaluation (PMID: 32368696, 22465605, 28991257, 31941532, 16358218). ClinVar contains an entry for this variant (Variation ID: 40523). Based on the evidence outlined above, the variant was classified as pathogenic.

Blueprint Genetics
Classification: Pathogenic for PTPN11-related disorders. Last evaluated: 2023-01-11. Review status: criteria provided, single submitter. Criteria: ACMG Guidelines, 2015. Collection method: clinical testing. Allele origin: germline. Affected: yes. Observed: 2 variant alleles.

Baylor Genetics
Classification: Pathogenic for Metachondromatosis. Last evaluated: 2022-12-12. Review status: criteria provided, single submitter. Criteria: ACMG Guidelines, 2015. Collection method: clinical testing. Allele origin: unknown.

Baylor Genetics
Classification: Pathogenic for Noonan syndrome 1. Last evaluated: 2022-12-12. Review status: criteria provided, single submitter. Criteria: ACMG Guidelines, 2015. Collection method: clinical testing. Allele origin: unknown.